The following is an entry in ClinVar:

ClinVar aggregate classification (germline): Likely pathogenic (1 of 4 stars; one submission).

Submission:

GeneDx
Classification: Likely pathogenic. Last evaluated: 2021-12-16. Review status: criteria provided, single submitter. Criteria: GeneDx Variant Classification Process June 2021. Collection method: clinical testing. Allele origin: germline. Affected: yes.
Comment: Has not been previously published as pathogenic or benign to our knowledge; Canonical splice site variant expected to result in aberrant splicing, although in the absence of functional evidence the actual effect of this sequence change is unknown; Not observed at significant frequency in large population cohorts (gnomAD)

NM_019032.6(ADAMTSL4):c.2472_2559+45delinsAGCCAT

Gene: ADAMTSL4 (ADAMTS like 4; plus strand). Cytogenetic location: 1q21.2.
Variant type: Indel.
Coding change: c.2472_2559+45delinsAGCCAT on transcript NM_019032.6 (MANE Select); coding-DNA position 2472 through 45 bases into the intron after coding-DNA position 2559, the reference bases replaced by AGCCAT.
Molecular consequence: splice donor variant. On other transcripts: frameshift variant (1).
Genome position (GRCh38, 1-based): chr1:150,558,562-150,558,694, 133 bases replaced. GRCh37 (hg19): chr1:150,531,038-150,531,170.
Other names: c.2472_2604delinsAGCCAT, p.Ser825fs (NM_025008.5); c.2541_2628+45delinsAGCCAT (NM_001288608.2); c.2355_2442+45delinsAGCCAT (NM_001288607.2); c.2472_2559+45delinsAGCCAT (NM_001378596.1); short protein forms S825fs.
Identifiers: ClinVar variation 1693082 (VCV001693082.2), dbSNP rs2101653586, ClinGen allele CA2573131049.